The following is an entry in ClinVar:

ClinVar aggregate classification (germline): Uncertain significance (1 of 4 stars; one submission).

Submission:

GeneDx
Classification: Uncertain significance. Last evaluated: 2026-03-30. Review status: criteria provided, single submitter. Criteria: GeneDx Variant Classification Process June 2021. Collection method: clinical testing. Allele origin: germline.
Comment: Not observed at significant frequency in large population cohorts (gnomAD); In silico analysis supports that this missense variant has a deleterious effect on protein structure/function; Has not been previously published as pathogenic or benign to our knowledge

NM_001368397.1(FRMPD4):c.1387G>C (p.Asp463His)

Gene: FRMPD4 (FERM and PDZ domain containing 4; plus strand). Cytogenetic location: Xp22.2.
Variant type: single nucleotide variant.
Coding change: c.1387G>C on transcript NM_001368397.1 (MANE Select); coding-DNA position 1387, G replaced by C.
Protein change: p.Asp463His; replaces aspartic acid 463 with histidine.
Molecular consequence: missense variant.
Genome position (GRCh38, 1-based): chrX:12,707,568, G>C. VCF-style: chrX-12707568-G-C. GRCh37 (hg19) VCF-style: chrX-12725687-G-C.
Other names: c.1498G>C, p.Asp500His (NM_001368395.3, NM_001368398.3); c.1393G>C, p.Asp465His (NM_001368396.3); c.1378G>C, p.Asp460His (NM_001368399.3); c.1267G>C, p.Asp423His (NM_001368400.3); c.1363G>C, p.Asp455His (NM_001368401.1, NM_001368402.3); c.1387G>C, p.Asp463His (NM_014728.3); short protein forms D423H, D455H, D460H, D463H, D465H, D500H.
Identifiers: ClinVar variation 5017634 (VCV005017634.1).